The following is an entry in ClinVar:

ClinVar aggregate classification (germline): Likely pathogenic (1 of 4 stars; one submission).

Conditions:
Inborn genetic diseases. Identifiers: MedGen C0950123, MeSH D030342.

Submission:

Ambry Genetics
Classification: Likely pathogenic for Inborn genetic diseases. Last evaluated: 2025-05-27. Review status: criteria provided, single submitter. Criteria: Ambry Variant Classification Scheme 2023. Collection method: clinical testing. Allele origin: germline.
Comment: The c.568+2T>C intronic alteration consists of a T to C substitution two nucleotides after exon 5 (coding exon 4) of the POGZ gene. Alterations that disrupt the canonical splice site are expected to cause aberrant splicing, resulting in an abnormal protein or a transcript that is subject to nonsense-mediated mRNA decay. This variant was not reported in population-based cohorts in the Genome Aggregation Database (gnomAD). This nucleotide position is highly conserved in available vertebrate species. In silico splice site analysis predicts that this alteration will weaken the native splice donor site. Based on the available evidence, this alteration is classified as likely pathogenic.

NM_015100.4(POGZ):c.568+2T>C

Gene: POGZ (pogo transposable element derived with ZNF domain; minus strand). Cytogenetic location: 1q21.3.
Variant type: single nucleotide variant.
Coding change: c.568+2T>C on transcript NM_015100.4 (MANE Select); the canonical splice donor site of the intron after coding-DNA position 568, T replaced by C.
Molecular consequence: splice donor variant. On other transcripts: intron variant (1).
Genome position (GRCh38, 1-based): chr1:151,429,601, A>G on the plus strand (T>C on the coding strand, the complement: POGZ is on the minus strand). VCF-style: chr1-151429601-A-G. GRCh37 (hg19) VCF-style: chr1-151402077-A-G.
Other names: c.409+2T>C (NM_001194938.2, NM_207171.2); c.284-1188T>C (NM_145796.4); c.568+2T>C (NM_001194937.2); c.589+2T>C (NM_001410860.1).
Identifiers: ClinVar variation 2308464 (VCV002308464.3), dbSNP rs2529526177, ClinGen allele CA341980205.